The following is an entry in ClinVar:

ClinVar aggregate classification (germline): Benign/Likely benign. Review status: criteria provided, multiple submitters, no conflicts (2 of 4 stars). 4 submissions from 4 submitters: Benign (1); Likely benign (3). Last evaluated 2025-01-17.

Conditions:
Hereditary cancer-predisposing syndrome. Also called: Neoplastic Syndromes, Hereditary; Tumor predisposition; Hereditary Cancer Syndrome; Hereditary neoplastic syndrome. Identifiers: Orphanet 140162, MedGen C0027672, MeSH D009386, MONDO:0015356.
Familial cancer of breast. Also called: BREAST CANCER, FAMILIAL; hereditary breast carcinoma; Hereditary breast cancer. Identifiers: Orphanet 227535, MedGen C0346153, MONDO:0016419, OMIM 114480. Disease mechanism: loss of function.

Submissions (4):

Myriad Genetics, Inc.
Classification: Benign for Familial cancer of breast. Last evaluated: 2025-01-17. Review status: criteria provided, single submitter. Criteria: Myriad Autosomal Dominant, Autosomal Recessive and X-Linked Classification Criteria (2023). Collection method: clinical testing. Allele origin: unknown.
Comment: This variant is considered benign. This variant is a silent/synonymous amino acid change and it is not expected to impact splicing.

Labcorp Genetics (formerly Invitae), Labcorp
Classification: Likely benign for Familial cancer of breast. Last evaluated: 2024-11-26. Review status: criteria provided, single submitter. Criteria: Invitae Variant Classification Sherloc (09022015). Collection method: clinical testing. Allele origin: germline.

Color Diagnostics, LLC DBA Color Health
Classification: Likely benign for Hereditary cancer-predisposing syndrome. Last evaluated: 2018-05-15. Review status: criteria provided, single submitter. Criteria: ACMG Guidelines, 2015. Collection method: clinical testing. Allele origin: germline.

Ambry Genetics
Classification: Likely benign for Hereditary cancer-predisposing syndrome. Last evaluated: 2015-08-24. Review status: criteria provided, single submitter. Criteria: Ambry Variant Classification Scheme 2023. Collection method: clinical testing. Allele origin: germline.

NM_024675.4(PALB2):c.2811A>C (p.Gly937=)

Gene: PALB2 (partner and localizer of BRCA2; minus strand). Cytogenetic location: 16p12.2.
Variant type: single nucleotide variant.
Coding change: c.2811A>C on transcript NM_024675.4 (MANE Select); coding-DNA position 2811, A replaced by C.
Protein change: p.Gly937=; no amino-acid change (glycine 937 retained).
Molecular consequence: synonymous variant.
Genome position (GRCh38, 1-based): chr16:23,624,032, T>G on the plus strand (A>C on the coding strand, the complement: PALB2 is on the minus strand). VCF-style: chr16-23624032-T-G. GRCh37 (hg19) VCF-style: chr16-23635353-T-G.
Identifiers: ClinVar variation 233554 (VCV000233554.18), dbSNP rs876660486, ClinGen allele CA10579950.